The following is an entry in ClinVar:

NM_004415.4(DSP):c.7543_7544delinsCGTGGTATCTGGGAGGCCTACAAGAAGGGCCTAATTGATTATGAAACCTTCAAAGAACTGTGTGAGCAGGAATGTGAATGGGAAGAAATAACCATCACGGGATCAGATGGCTCCCGTGGTAA (p.Thr2515delinsArgGlyIleTrpGluAlaTyrLysLysGlyLeuIleAspTyrGluThrPheLysGluLeuCysGluGlnGluCysGluTrpGluGluIleThrIleThrGlySerAspGlySerArgGlyAsn)

Gene: DSP (desmoplakin; plus strand). Cytogenetic location: 6p24.3.
Variant type: Indel.
Coding change: c.7543_7544delinsCGTGGTATCTGGGAGGCCTACAAGAAGGGCCTAATTGATTATGAAACCTTCAAAGAACTGTGTGAGCAGGAATGTGAATGGGAAGAAATAACCATCACGGGATCAGATGGCTCCCGTGGTAA on transcript NM_004415.4 (MANE Select); coding-DNA positions 7543 to 7544, the reference bases replaced by an inserted sequence.
Protein change: p.Thr2515delinsArgGlyIleTrpGluAlaTyrLysLysGlyLeuIleAspTyrGluThrPheLysGluLeuCysGluGlnGluCysGluTrpGluGluIleThrIleThrGlySerAspGlySerArgGlyAsn.
Molecular consequence: inframe indel.
Genome position (GRCh38, 1-based): chr6:7,584,805-7,584,806, 2 bases replaced. GRCh37 (hg19): chr6:7,585,038-7,585,039.
Other names: c.5746_5747delinsCGTGGTATCTGGGAGGCCTACAAGAAGGGCCTAATTGATTATGAAACCTTCAAAGAACTGTGTGAGCAGGAATGTGAATGGGAAGAAATAACCATCACGGGATCAGATGGCTCCCGTGGTAA, p.Thr1916delinsArgGlyIleTrpGluAlaTyrLysLysGlyLeuIleAspTyrGluThrPheLysGluLeuCysGluGlnGluCysGluTrpGluGluIleThrIleThrGlySerAspGlySerArgGlyAsn (NM_001008844.3); c.6214_6215delinsCGTGGTATCTGGGAGGCCTACAAGAAGGGCCTAATTGATTATGAAACCTTCAAAGAACTGTGTGAGCAGGAATGTGAATGGGAAGAAATAACCATCACGGGATCAGATGGCTCCCGTGGTAA, p.Thr2072delinsArgGlyIleTrpGluAlaTyrLysLysGlyLeuIleAspTyrGluThrPheLysGluLeuCysGluGlnGluCysGluTrpGluGluIleThrIleThrGlySerAspGlySerArgGlyAsn (NM_001319034.2).
Identifiers: ClinVar variation 1486043 (VCV001486043.7), dbSNP rs2113702542, ClinGen allele CA2573140823.

ClinVar aggregate classification (germline): Uncertain significance (1 of 4 stars; one submission).

Conditions:
Arrhythmogenic right ventricular dysplasia 8 (ARVD8). Also called: Arrhythmogenic Right Ventricular Dysplasia/Cardiomyopathy 8; ARRHYTHMOGENIC RIGHT VENTRICULAR DYSPLASIA, FAMILIAL, 8; ARRHYTHMOGENIC RIGHT VENTRICULAR CARDIOMYOPATHY 8. Identifiers: MedGen C1843896, MONDO:0011831, OMIM 607450.
Arrhythmogenic cardiomyopathy with wooly hair and keratoderma. Also called: PALMOPLANTAR KERATODERMA WITH LEFT VENTRICULAR CARDIOMYOPATHY AND WOOLLY HAIR; Arrhythmogenic cardiomyopathy with woolly hair and keratoderma; Carvajal syndrome; Dilated cardiomyopathy with woolly hair and keratoderma. Identifiers: Orphanet 65282, MedGen C1854063, MONDO:0011581, OMIM 605676.

Submission:

Labcorp Genetics (formerly Invitae), Labcorp
Classification: Uncertain significance for Arrhythmogenic cardiomyopathy with wooly hair and keratoderma; Arrhythmogenic right ventricular dysplasia 8. Last evaluated: 2024-05-03. Review status: criteria provided, single submitter. Criteria: Invitae Variant Classification Sherloc (09022015). Collection method: clinical testing. Allele origin: germline.
Comment: This variant, c.7543_7544delins122, is a complex sequence change that results in the deletion of 1 and insertion of 41 amino acid(s) in the DSP protein (p.Thr2515delins41). This variant is not present in population databases (gnomAD no frequency). This variant has not been reported in the literature in individuals affected with DSP-related conditions. In summary, the available evidence is currently insufficient to determine the role of this variant in disease. Therefore, it has been classified as a Variant of Uncertain Significance.